The following is an entry in ClinVar:

ClinVar aggregate classification (germline): Uncertain significance (1 of 4 stars; one submission).

Submission:

Labcorp Genetics (formerly Invitae), Labcorp
Classification: Uncertain significance. Last evaluated: 2025-11-10. Review status: criteria provided, single submitter. Criteria: Invitae Variant Classification Sherloc (09022015). Collection method: clinical testing. Allele origin: germline.
Comment: This sequence change replaces arginine, which is basic and polar, with glycine, which is neutral and non-polar, at codon 107 of the NEFH protein (p.Arg107Gly). This variant is not present in population databases (gnomAD no frequency). This variant has not been reported in the literature in individuals affected with NEFH-related conditions. Experimental studies and prediction algorithms are not available or were not evaluated, and the functional significance of this variant is currently unknown. In summary, the available evidence is currently insufficient to determine the role of this variant in disease. Therefore, it has been classified as a Variant of Uncertain Significance.

NM_021076.4(NEFH):c.319C>G (p.Arg107Gly)

Gene: NEFH (neurofilament heavy chain; plus strand). Cytogenetic location: 22q12.2.
Variant type: single nucleotide variant.
Coding change: c.319C>G on transcript NM_021076.4 (MANE Select); coding-DNA position 319, C replaced by G.
Protein change: p.Arg107Gly; replaces arginine 107 with glycine.
Molecular consequence: missense variant.
Genome position (GRCh38, 1-based): chr22:29,480,581, C>G. VCF-style: chr22-29480581-C-G. GRCh37 (hg19) VCF-style: chr22-29876570-C-G.
Other names: short protein forms R107G.
Identifiers: ClinVar variation 4796897 (VCV004796897.1).